The following is an entry in ClinVar:

NM_007294.4(BRCA1):c.2825C>A (p.Ala942Asp)

Gene: BRCA1 (BRCA1 DNA repair associated; minus strand). Cytogenetic location: 17q21.31.
Variant type: single nucleotide variant.
Coding change: c.2825C>A on transcript NM_007294.4 (MANE Select); coding-DNA position 2825, C replaced by A.
Protein change: p.Ala942Asp; replaces alanine 942 with aspartic acid.
Molecular consequence: missense variant. On other transcripts: intron variant (137).
Genome position (GRCh38, 1-based): chr17:43,092,706, G>T on the plus strand (C>A on the coding strand, the complement: BRCA1 is on the minus strand). VCF-style: chr17-43092706-G-T. GRCh37 (hg19) VCF-style: chr17-41244723-G-T.
Other names: c.665-1674C>A (NM_001408438.1, NM_001408430.1, NM_001408427.1 and 12 more transcripts); c.671-1674C>A (NM_001408423.1, NM_001408420.1, NM_001408419.1 and 2 more transcripts); c.788-1674C>A (NM_001408404.1, NM_001408472.1, NM_001407990.1 and 17 more transcripts); c.788-567C>A (NM_001407969.1, NM_001407968.1); c.578-1674C>A (NM_001408492.1, NM_001408513.1, NM_001408489.1 and 9 more transcripts); c.644-1674C>A (NM_001408468.1, NM_001408465.1, NM_001408463.1 and 3 more transcripts); c.524-1674C>A (NM_001408501.1, NM_001408500.1, NM_001408497.1 and 3 more transcripts); c.647-1674C>A (NM_001408455.1, NM_001408466.1, NM_001408452.1 and 11 more transcripts); and 41 more; short protein forms A774D, A814D, A831D, A853D, A875D, A939D, A646D, A830D.
Identifiers: ClinVar variation 1796495 (VCV001796495.4), dbSNP rs2154357624, ClinGen allele CA10596341.

ClinVar aggregate classification (germline): Conflicting classifications of pathogenicity. Review status: criteria provided, conflicting classifications (1 of 4 stars). 2 submissions from 2 submitters: Uncertain significance (1); Likely benign (1). Last evaluated 2023-03-23.

Conditions:
Hereditary cancer-predisposing syndrome. Also called: Tumor predisposition; Hereditary Cancer Syndrome; Neoplastic Syndromes, Hereditary; Hereditary neoplastic syndrome. Identifiers: Orphanet 140162, MedGen C0027672, MeSH D009386, MONDO:0015356.

Submissions (2):

University of Washington Department of Laboratory Medicine, University of Washington
Classification: Likely benign for Hereditary cancer-predisposing syndrome. Last evaluated: 2023-03-23. Review status: criteria provided, single submitter. Criteria: Dines et al. (Genet Med. 2020). Collection method: curation. Allele origin: germline.
Comment: Missense variant in a coldspot region where missense variants are very unlikely to be pathogenic (PMID:31911673).

BRCA1 coldspot (exon 11 using historical exon numbering). Reclassification based on statistical prior probability

Ambry Genetics
Classification: Uncertain significance for Hereditary cancer-predisposing syndrome. Last evaluated: 2022-08-11. Review status: criteria provided, single submitter. Criteria: Ambry Variant Classification Scheme 2023. Collection method: clinical testing. Allele origin: germline.
Comment: The p.A942D variant (also known as c.2825C>A), located in coding exon 9 of the BRCA1 gene, results from a C to A substitution at nucleotide position 2825. The alanine at codon 942 is replaced by aspartic acid, an amino acid with dissimilar properties. This amino acid position is conserved. In addition, the in silico prediction for this alteration is inconclusive. Since supporting evidence is limited at this time, the clinical significance of this alteration remains unclear.